The following is an entry in ClinVar:

ClinVar aggregate classification (germline): Uncertain significance (1 of 4 stars; one submission).

Conditions:
Emery-Dreifuss muscular dystrophy 5, autosomal dominant (EDMD5). Also called: EMERY-DREIFUSS MUSCULAR DYSTROPHY 5. Identifiers: Orphanet 261, MedGen C2751805, MONDO:0013072, OMIM 612999.

Allele frequency attached by ClinVar (database versions not stated): gnomAD 0.00001; ExAC 0.00002; gnomAD exomes 0.00002 and 0.00003.
gnomAD v4.1: 21 of 1,614,012 alleles (0.0013%); no homozygotes.

Submission:

Labcorp Genetics (formerly Invitae), Labcorp
Classification: Uncertain significance for Emery-Dreifuss muscular dystrophy 5, autosomal dominant. Last evaluated: 2019-10-25. Review status: criteria provided, single submitter. Criteria: Invitae Variant Classification Sherloc (09022015). Collection method: clinical testing. Allele origin: germline.
Comment: This sequence change replaces histidine with aspartic acid at codon 2587 of the SYNE2 protein (p.His2587Asp). The histidine residue is weakly conserved and there is a moderate physicochemical difference between histidine and aspartic acid. This variant is present in population databases (rs758573149, ExAC 0.03%). This variant has not been reported in the literature in individuals with SYNE2-related conditions. Algorithms developed to predict the effect of missense changes on protein structure and function (SIFT, PolyPhen-2, Align-GVGD) all suggest that this variant is likely to be tolerated, but these predictions have not been confirmed by published functional studies and their clinical significance is uncertain. In summary, the available evidence is currently insufficient to determine the role of this variant in disease. Therefore, it has been classified as a Variant of Uncertain Significance.

NM_182914.3(SYNE2):c.7759C>G (p.His2587Asp)

Gene: SYNE2 (spectrin repeat containing nuclear envelope protein 2; plus strand). Cytogenetic location: 14q23.2.
Variant type: single nucleotide variant.
Coding change: c.7759C>G on transcript NM_182914.3 (MANE Select); coding-DNA position 7759, C replaced by G.
Protein change: p.His2587Asp; replaces histidine 2587 with aspartic acid.
Molecular consequence: missense variant.
Genome position (GRCh38, 1-based): chr14:64,051,672, C>G. VCF-style: chr14-64051672-C-G. GRCh37 (hg19) VCF-style: chr14-64518390-C-G.
Other names: c.7759C>G, p.His2587Asp (NM_015180.6); short protein forms H2587D.
Identifiers: ClinVar variation 968526 (VCV000968526.9), dbSNP rs758573149, ClinGen allele CA7221012.
Genomic context (GRCh38, chr14:64,051,672, plus strand): 5'-ATAGAAAAAGAGAAAGATTCTTTAGGCAACTTGAAAATCAAATGGGAGAATTTATCAAAC[C>G]ACGTGACTGACATGGATAAGAAATTGTTGGAAAGCCAGATTAAGCAACTTGAACATGGTT-3'
Protein context (NP_878918.2, residues 2577-2597): LKIKWENLSN[His2587Asp]VTDMDKKLLE